The following is an entry in ClinVar:

NM_004629.2(FANCG):c.1637-2del

Gene: FANCG (FA complementation group G; minus strand). Cytogenetic location: 9p13.3.
Variant type: Deletion.
Coding change: c.1637-2del on transcript NM_004629.2 (MANE Select); the canonical splice acceptor site of the intron before coding-DNA position 1637, one base deleted (A; older notation c.1637-2delA).
Molecular consequence: splice acceptor variant.
Genome position (GRCh38, 1-based): chr9:35,074,496, T deleted on the plus strand (A on the coding strand, the reverse complement: FANCG is on the minus strand). VCF-style (leftmost placement, unchanged base first): chr9-35074495-CT-C. GRCh37 (hg19) VCF-style: chr9-35074492-CT-C.
Other names: c.1637-2del (NM_004629.1).
Identifiers: ClinVar variation 1476370 (VCV001476370.6), dbSNP rs1224034435, ClinGen allele CA863522261.
Genomic context (GRCh38, chr9:35,074,495, plus strand): 5'-CATCCCTCCGATCTAGCCTCTTCAGAGTCTGAAGCAGGTGAAAGTAAGTGTCTCGATTAC[CT>C]GTAGCCCCAGCCCAGAGTACAGAGTCTTAGAACTTGACATAGTCTTAGGCATTGTTTTAT-3'

ClinVar aggregate classification (germline): Likely pathogenic. Review status: criteria provided, multiple submitters, no conflicts (2 of 4 stars). 3 submissions from 3 submitters: Likely pathogenic (3). Last evaluated 2024-06-03.

Conditions:
Fanconi anemia complementation group G. Also called: Fanconi anemia group G; FANCG-Related Fanconi Anemia. Identifiers: Orphanet 84, MedGen C3469527, MONDO:0013565, OMIM 614082.
Fanconi anemia (FA). Also called: Fanconi's anemia. Identifiers: Orphanet 84, MedGen C0015625, MeSH D005199, MONDO:0019391.

Allele frequency attached by ClinVar (database versions not stated): gnomAD exomes below 0.00001; gnomAD 0.00001; TOPMed 0.00001.

Submissions (3):

Natera, Inc.
Classification: Likely pathogenic for Fanconi anemia group G. Last evaluated: 2024-06-03. Review status: criteria provided, single submitter. Criteria: Natera Variant Classification Schema (03/2026). Collection method: clinical testing. Allele origin: germline.
Comment: The c.1637-2del variant in FANCG is a canonical splice acceptor site variant predicted to affect pre-mRNA splicing, which may result in an abnormal transcript and altered protein product. This variant is expected to result in nonsense mediated decay, truncation, or a dysfunctional protein product. This variant is rare in the general population with a frequency below the threshold expected for the associated phenotype(s). Given the available evidence, this variant is classified as Likely Pathogenic.

Baylor Genetics
Classification: Likely pathogenic for Fanconi anemia complementation group G. Last evaluated: 2023-12-21. Review status: criteria provided, single submitter. Criteria: ACMG Guidelines, 2015. Collection method: clinical testing. Allele origin: unknown.

Labcorp Genetics (formerly Invitae), Labcorp
Classification: Likely pathogenic for Fanconi anemia. Last evaluated: 2022-04-14. Review status: criteria provided, single submitter. Criteria: Invitae Variant Classification Sherloc (09022015). Collection method: clinical testing. Allele origin: germline.
Comment: This sequence change affects a splice site in intron 12 of the FANCG gene. It is expected to disrupt RNA splicing. Variants that disrupt the donor or acceptor splice site typically lead to a loss of protein function (PMID: 16199547), and loss-of-function variants in FANCG are known to be pathogenic (PMID: 12552564). This variant is not present in population databases (gnomAD no frequency). This variant has not been reported in the literature in individuals affected with FANCG-related conditions. Algorithms developed to predict the effect of sequence changes on RNA splicing suggest that this variant may disrupt the consensus splice site. In summary, the currently available evidence indicates that the variant is pathogenic, but additional data are needed to prove that conclusively. Therefore, this variant has been classified as Likely Pathogenic.

Literature cited by the submitters: PubMed 16199547 (cited by Labcorp Genetics (formerly Invitae), Labcorp); PubMed 12552564 (cited by Labcorp Genetics (formerly Invitae), Labcorp).